The following is an entry in ClinVar:

NM_001854.4(COL11A1):c.2241+3A>G

Gene: COL11A1 (collagen type XI alpha 1 chain; minus strand). Cytogenetic location: 1p21.1.
Variant type: single nucleotide variant.
Coding change: c.2241+3A>G on transcript NM_001854.4 (MANE Select); 3 bases into the intron after coding-DNA position 2241, A replaced by G.
Molecular consequence: intron variant.
Genome position (GRCh38, 1-based): chr1:102,997,077, T>C on the plus strand (A>G on the coding strand, the complement: COL11A1 is on the minus strand). VCF-style: chr1-102997077-T-C. GRCh37 (hg19) VCF-style: chr1-103462633-T-C.
Other names: c.2124+3A>G (NM_001190709.2); c.2277+3A>G (NM_080629.3); c.1893+3A>G (NM_080630.4).
Identifiers: ClinVar variation 1312649 (VCV001312649.8), dbSNP rs759793105, ClinGen allele CA974536.

ClinVar aggregate classification (germline): Uncertain significance. Review status: criteria provided, multiple submitters, no conflicts (2 of 4 stars). 3 submissions from 3 submitters: Uncertain significance (3). Last evaluated 2025-11-24.

Allele frequency attached by ClinVar (database versions not stated): gnomAD exomes 0.00001 and 0.00004; ExAC 0.00002; gnomAD 0.00002; TOPMed 0.00002.
gnomAD v4.1: 17 of 1,611,674 alleles (0.0011%); highest among the groups gnomAD compares: East Asian, 0.031%; no homozygotes.

Submissions (3):

Labcorp Genetics (formerly Invitae), Labcorp
Classification: Uncertain significance. Last evaluated: 2025-11-24. Review status: criteria provided, single submitter. Criteria: Invitae Variant Classification Sherloc (09022015). Collection method: clinical testing. Allele origin: germline.
Comment: This sequence change falls in intron 26 of the COL11A1 gene. It does not directly change the encoded amino acid sequence of the COL11A1 protein. It affects a nucleotide within the consensus splice site. This variant is present in population databases (rs759793105, gnomAD 0.06%). This variant has not been reported in the literature in individuals affected with COL11A1-related conditions. ClinVar contains an entry for this variant (Variation ID: 1312649). Variants that disrupt the consensus splice site are a relatively common cause of aberrant splicing (PMID: 17576681, 9536098). Algorithms developed to predict the effect of sequence changes on RNA splicing suggest that this variant may disrupt the consensus splice site. In summary, the available evidence is currently insufficient to determine the role of this variant in disease. Therefore, it has been classified as a Variant of Uncertain Significance.

Blueprint Genetics
Classification: Uncertain significance. Last evaluated: 2020-10-01. Review status: criteria provided, single submitter. Criteria: ACMG Guidelines, 2015. Collection method: clinical testing. Allele origin: germline.

GeneDx
Classification: Uncertain significance. Last evaluated: 2020-05-06. Review status: criteria provided, single submitter. Criteria: GeneDx Variant Classification Process June 2021. Collection method: clinical testing. Allele origin: germline. Affected: yes.
Comment: Has not been previously published as pathogenic or benign to our knowledge; In-silico analysis, which includes splice predictors and evolutionary conservation, is inconclusive as to whether the variant alters gene splicing. In the absence of RNA/functional studies, the actual effect of this sequence change is unknown.

Literature cited by the submitters: PubMed 17576681 (cited by Labcorp Genetics (formerly Invitae), Labcorp); PubMed 9536098 (cited by Labcorp Genetics (formerly Invitae), Labcorp).